The following is an entry in ClinVar:

ClinVar aggregate classification (germline): Benign/Likely benign. Review status: criteria provided, multiple submitters, no conflicts (2 of 4 stars). 3 submissions from 3 submitters: Benign (2); Likely benign (1). Last evaluated 2026-02-02.

Conditions:
Hepatoencephalopathy due to combined oxidative phosphorylation defect type 1. Also called: HEPATOENCEPHALOPATHY, EARLY FATAL PROGRESSIVE. Identifiers: Orphanet 137681, MedGen C1836797, MONDO:0012191, OMIM 609060.

Allele frequency attached by ClinVar (database versions not stated): gnomAD exomes 0.00063 and 0.00164; ExAC 0.00188; gnomAD 0.00614 and 0.00671; TOPMed 0.00675; 1000 Genomes Project 0.00719; ESP Exome Variant Server 0.00738; 1000 Genomes Project 30x 0.00812.
gnomAD v4.1: 1,883 of 1,578,200 alleles (0.12%); highest among the groups gnomAD compares: African/African-American, 2.1%; 18 homozygotes.

Submissions (3):

Labcorp Genetics (formerly Invitae), Labcorp
Classification: Benign. Last evaluated: 2026-02-02. Review status: criteria provided, single submitter. Criteria: Invitae Variant Classification Sherloc (09022015). Collection method: clinical testing. Allele origin: germline.

Fulgent Genetics
Classification: Likely benign for Hepatoencephalopathy due to combined oxidative phosphorylation defect type 1. Last evaluated: 2022-04-08. Review status: criteria provided, single submitter. Criteria: ACMG Guidelines, 2015. Collection method: clinical testing. Allele origin: unknown.

GeneDx
Classification: Benign. Last evaluated: 2013-12-26. Review status: criteria provided, single submitter. Criteria: GeneDx Variant Classification (06012015). Collection method: clinical testing. Allele origin: germline. Affected: yes.
Comment: This variant is considered likely benign or benign based on one or more of the following criteria: it is a conservative change, it occurs at a poorly conserved position in the protein, it is predicted to be benign by multiple in silico algorithms, and/or has population frequency not consistent with disease.

NM_024996.7(GFM1):c.2071-17A>G

Gene: GFM1 (G elongation factor mitochondrial 1; plus strand). Cytogenetic location: 3q25.32.
Variant type: single nucleotide variant.
Coding change: c.2071-17A>G on transcript NM_024996.7 (MANE Select); 17 bases into the intron before coding-DNA position 2071, A replaced by G.
Molecular consequence: intron variant.
Genome position (GRCh38, 1-based): chr3:158,691,122, A>G. VCF-style: chr3-158691122-A-G. GRCh37 (hg19) VCF-style: chr3-158408911-A-G.
Other names: c.2128-17A>G (NM_001308164.2); c.1846-17A>G (NM_001374357.1); c.1990-17A>G (NM_001374355.1); c.1954-17A>G (NM_001374356.1); c.1504-17A>G (NM_001374359.1); c.1504-214A>G (NM_001374360.1); c.1387-17A>G (NM_001374361.1); c.1612-17A>G (NM_001374358.1).
Identifiers: ClinVar variation 137467 (VCV000137467.10), dbSNP rs76679758, ClinGen allele CA291067.